The following is an entry in ClinVar:

NC_000010.11:g.(?_78033902)_(78033914_?)del

Gene: RPS24 (ribosomal protein S24; plus strand). Cytogenetic location: 10q22.3.
Variant type: Deletion.
Identifiers: ClinVar variation 831866 (VCV000831866.13).

ClinVar aggregate classification (germline): Pathogenic (1 of 4 stars; one submission).

Conditions:
Diamond-Blackfan anemia. Also called: Blackfan Diamond syndrome; Aregenerative anemia chronic congenital; Red cell aplasia, pure hereditary; Congenital hypoplastic anemia; Aase syndrome. Identifiers: Orphanet 124, MedGen C1260899, MeSH D029503, MONDO:0015253, HP:0004810.

Submission:

Labcorp Genetics (formerly Invitae), Labcorp
Classification: Pathogenic for Diamond-Blackfan anemia. Last evaluated: 2019-08-31. Review status: criteria provided, single submitter. Criteria: Invitae Variant Classification Sherloc (09022015). Collection method: clinical testing. Allele origin: germline.
Comment: For these reasons, this variant has been classified as Pathogenic. Loss-of-function variants in RPS24 are known to be pathogenic (PMID: 17186470, 20960466). This variant has not been reported in the literature in individuals with RPS24-related conditions, however, this variant disrupts the initiator methionine in RPS24. If translation initiates from the next in-frame methionine, the RPS24 protein would no longer include the region containing the p.Met1 amino acid residue. Other variant(s) that disrupt this residue have been observed in individuals with RPS24-related conditions (PMID: 19689926, Invitae), which suggests that this residue is clinically significant, and that variants that disrupt this residue are likely to be disease-causing. This variant is a gross deletion of the genomic region encompassing exon 1 of the RPS24 gene, which includes the initiator codon. The 5' end of this event is unknown as it extends beyond the assayed region for this gene and therefore may encompass additional genes. The 3' boundary is likely confined to intron 1 of the RPS24 gene. Of note, the coding region of exon 1 consists of a single codon, p.Met1. The next in-frame methionine is located at codon 13.

Literature cited by the submitters: PubMed 17186470; PubMed 20960466; PubMed 19689926.